The following is an entry in ClinVar:

NM_005359.6(SMAD4):c.1148T>C (p.Ile383Thr)

Gene: SMAD4 (SMAD family member 4; plus strand). Cytogenetic location: 18q21.2.
Variant type: single nucleotide variant.
Coding change: c.1148T>C on transcript NM_005359.6 (MANE Select); coding-DNA position 1148, T replaced by C.
Protein change: p.Ile383Thr; replaces isoleucine 383 with threonine.
Molecular consequence: missense variant.
Genome position (GRCh38, 1-based): chr18:51,067,027, T>C. VCF-style: chr18-51067027-T-C. GRCh37 (hg19) VCF-style: chr18-48593397-T-C.
Other names: short protein forms I383T.
Identifiers: ClinVar variation 629126 (VCV000629126.14), dbSNP rs377767355, ClinGen allele CA402464727.

ClinVar aggregate classification (germline): Conflicting classifications of pathogenicity. Review status: criteria provided, conflicting classifications (1 of 4 stars). 5 submissions from 5 submitters: Likely pathogenic (1); Uncertain significance (3). 1 of the submissions does not count toward it. Last evaluated 2024-06-06.

Conditions:
Juvenile polyposis syndrome (JPS). Identifiers: Orphanet 2929, MedGen C0345893, MONDO:0017380, OMIM 174900.
Hereditary cancer-predisposing syndrome. Also called: Tumor predisposition; Neoplastic Syndromes, Hereditary; Hereditary Cancer Syndrome; Hereditary neoplastic syndrome. Identifiers: Orphanet 140162, MedGen C0027672, MeSH D009386, MONDO:0015356.

Submissions (5):

Labcorp Genetics (formerly Invitae), Labcorp
Classification: Likely pathogenic for Juvenile polyposis syndrome. Last evaluated: 2024-06-06. Review status: criteria provided, single submitter. Criteria: Invitae Variant Classification Sherloc (09022015). Collection method: clinical testing. Allele origin: germline.
Comment: This sequence change replaces isoleucine, which is neutral and non-polar, with threonine, which is neutral and polar, at codon 383 of the SMAD4 protein (p.Ile383Thr). This variant is not present in population databases (gnomAD no frequency). This variant has not been reported in the literature in individuals affected with SMAD4-related conditions. ClinVar contains an entry for this variant (Variation ID: 629126). Advanced modeling of protein sequence and biophysical properties (such as structural, functional, and spatial information, amino acid conservation, physicochemical variation, residue mobility, and thermodynamic stability) has been performed at Invitae for this missense variant, however the output from this modeling did not meet the statistical confidence thresholds required to predict the impact of this variant on SMAD4 protein function. This variant disrupts the p.Ile383 amino acid residue in SMAD4. Other variant(s) that disrupt this residue have been determined to be pathogenic (PMID: 20101697, 30251589; Invitae). This suggests that this residue is clinically significant, and that variants that disrupt this residue are likely to be disease-causing. In summary, the currently available evidence indicates that the variant is pathogenic, but additional data are needed to prove that conclusively. Therefore, this variant has been classified as Likely Pathogenic.

Quest Diagnostics Nichols Institute San Juan Capistrano
Classification: Uncertain significance. Last evaluated: 2023-05-17. Review status: criteria provided, single submitter. Criteria: Quest Diagnostics criteria. Collection method: clinical testing. Allele origin: unknown.
Comment: To the best of our knowledge, the variant has not been reported in the published literature however other variants at the same location (c.1148T>A (p.Ile383Lys) and c.1148T>G (p.p.Ile383Arg)) have been found in individuals with combine Juvenile polyposis (JP) and hereditary hemorrhagic telangiectasia (HHT) syndrome (PMID: 20101697 (2009), 30251589 (2018)). This variant has not been reported in large, multi-ethnic general populations (Genome Aggregation Database). Analysis of this variant using bioinformatics tools for the prediction of the effect of amino acid changes on protein structure and function yielded predictions that this variant is damaging. Based on the available information, we are unable to determine the clinical significance of this variant.

GeneDx
Classification: Uncertain significance. Last evaluated: 2020-01-24. Review status: criteria provided, single submitter. Criteria: GeneDx Variant Classification Process June 2021. Collection method: clinical testing. Allele origin: germline. Affected: yes.
Comment: Has not been previously published as pathogenic or benign to our knowledge; Reported in ClinVar as a variant of uncertain significance (ClinVar Variant ID# 629126; Landrum et al., 2016); Not observed in large population cohorts (Lek et al., 2016); In silico analysis, which includes protein predictors and evolutionary conservation, supports a deleterious effect

Color Diagnostics, LLC DBA Color Health
Classification: Uncertain significance for Hereditary cancer-predisposing syndrome. Last evaluated: 2019-04-04. Review status: criteria provided, single submitter. Criteria: ACMG Guidelines, 2015. Collection method: clinical testing. Allele origin: germline.

Department of Pathology and Laboratory Medicine, Sinai Health System
Classification: Uncertain significance. Review status: no assertion criteria provided. Collection method: clinical testing. Allele origin: unknown. Affected: yes. Study: The Canadian Open Genetics Repository (COGR). Not counted in ClinVar's aggregate classification.

Literature cited by the submitters: PubMed 20101697 (cited by Labcorp Genetics (formerly Invitae), Labcorp); PubMed 30251589 (cited by Labcorp Genetics (formerly Invitae), Labcorp).